The following is an entry in ClinVar:

ClinVar aggregate classification (germline): Uncertain significance (1 of 4 stars; one submission).

Submission:

Labcorp Genetics (formerly Invitae), Labcorp
Classification: Uncertain significance. Last evaluated: 2025-03-16. Review status: criteria provided, single submitter. Criteria: Invitae Variant Classification Sherloc (09022015). Collection method: clinical testing. Allele origin: germline.
Comment: This sequence change affects an acceptor splice site in intron 12 of the RASA2 gene. It is expected to disrupt RNA splicing. Variants that disrupt the donor or acceptor splice site typically lead to a loss of protein function (PMID: 16199547), however the current clinical and genetic evidence is not sufficient to establish whether loss-of-function variants in RASA2 cause disease. This variant is not present in population databases (gnomAD no frequency). This variant has not been reported in the literature in individuals affected with RASA2-related conditions. Algorithms developed to predict the effect of sequence changes on RNA splicing suggest that this variant may disrupt the consensus splice site. In summary, the available evidence is currently insufficient to determine the role of this variant in disease. Therefore, it has been classified as a Variant of Uncertain Significance.

Literature cited by the submitters: PubMed 16199547.

NM_006506.5(RASA2):c.1285-1G>T

Gene: RASA2 (RAS p21 protein activator 2; plus strand). Cytogenetic location: 3q23.
Variant type: single nucleotide variant.
Coding change: c.1285-1G>T on transcript NM_006506.5 (MANE Select); the canonical splice acceptor site of the intron before coding-DNA position 1285, G replaced by T.
Molecular consequence: splice acceptor variant.
Genome position (GRCh38, 1-based): chr3:141,573,146, G>T. VCF-style: chr3-141573146-G-T. GRCh37 (hg19) VCF-style: chr3-141291988-G-T.
Other names: c.1285-1G>T (NM_001303245.3, NM_001303246.3).
Identifiers: ClinVar variation 4715247 (VCV004715247.1).